The following is an entry in ClinVar:

ClinVar aggregate classification (germline): Uncertain significance (1 of 4 stars; one submission).

Allele frequency attached by ClinVar (database versions not stated): TOPMed below 0.00001.
gnomAD v4.1: 3 of 1,614,098 alleles (0.00019%); highest among the groups gnomAD compares: Non-Finnish European, 0.00017%; no homozygotes.

Submission:

Labcorp Genetics (formerly Invitae), Labcorp
Classification: Uncertain significance. Last evaluated: 2023-03-24. Review status: criteria provided, single submitter. Criteria: Invitae Variant Classification Sherloc (09022015). Collection method: clinical testing. Allele origin: germline.
Comment: This sequence change replaces serine, which is neutral and polar, with cysteine, which is neutral and slightly polar, at codon 424 of the ADNP protein (p.Ser424Cys). This variant is present in population databases (no rsID available, gnomAD 0.0009%). This variant has not been reported in the literature in individuals affected with ADNP-related conditions. An algorithm developed to predict the effect of missense changes on protein structure and function (PolyPhen-2) suggests that this variant is likely to be disruptive. In summary, the available evidence is currently insufficient to determine the role of this variant in disease. Therefore, it has been classified as a Variant of Uncertain Significance.

NM_001282531.3(ADNP):c.1271C>G (p.Ser424Cys)

Gene: ADNP (activity dependent neuroprotector homeobox; minus strand). Cytogenetic location: 20q13.13.
Variant type: single nucleotide variant.
Coding change: c.1271C>G on transcript NM_001282531.3 (MANE Select); coding-DNA position 1271, C replaced by G.
Protein change: p.Ser424Cys; replaces serine 424 with cysteine.
Molecular consequence: missense variant.
Genome position (GRCh38, 1-based): chr20:50,893,443, G>C on the plus strand (C>G on the coding strand, the complement: ADNP is on the minus strand). VCF-style: chr20-50893443-G-C. GRCh37 (hg19) VCF-style: chr20-49509980-G-C.
Other names: c.1271C>G, p.Ser424Cys (NM_001282532.2, NM_001347511.2, NM_015339.5 and 1 more transcripts); short protein forms S424C.
Identifiers: ClinVar variation 2781783 (VCV002781783.3), dbSNP rs1370018068, ClinGen allele CA408973977.
Genomic context (GRCh38, chr20:50,893,443, plus strand): 5'-TGAGTTGAGGAAGTGTTACCTGGGGGAGGGCCTGTGGCAGCTGCAGCAGGTTTGGAACTG[G>C]ACTGACCTAACACTCTGGATGCCTGTGACTGAGAGAGGGAAGGAGACTTTAACTGGCCCG-3'
Protein context (NP_001269460.1, residues 414-434): QSQASRVLGQ[Ser424Cys]SSKPAAAATG